The following is an entry in ClinVar:

NM_001165963.4(SCN1A):c.5063G>T (p.Gly1688Val)

Genes: SCN1A (sodium voltage-gated channel alpha subunit 1; minus strand), LOC102724058 (uncharacterized LOC102724058; plus strand). Cytogenetic location: 2q24.3.
Variant type: single nucleotide variant.
Coding change: c.5063G>T on transcript NM_001165963.4 (MANE Select); coding-DNA position 5063, G replaced by T.
Protein change: p.Gly1688Val; replaces glycine 1688 with valine.
Molecular consequence: missense variant. On other transcripts: non-coding transcript variant (1).
Genome position (GRCh38, 1-based): chr2:165,992,212, C>A on the plus strand (G>T on the coding strand, the complement: SCN1A is on the minus strand). VCF-style: chr2-165992212-C-A. GRCh37 (hg19) VCF-style: chr2-166848722-C-A.
Other names: c.4979G>T, p.Gly1660Val (NM_001165964.3, NM_001353957.2, NM_001353958.2); c.5063G>T, p.Gly1688Val (NM_001202435.3, NM_001353948.2); c.5030G>T, p.Gly1677Val (NM_001353949.2, NM_001353950.2, NM_001353951.2 and 2 more transcripts); c.5027G>T, p.Gly1676Val (NM_001353954.2, NM_001353955.2); c.4976G>T, p.Gly1659Val (NM_001353960.2); c.2621G>T, p.Gly874Val (NM_001353961.2); short protein forms G1677V, G1688V, G1659V, G1660V, G874V, G1676V.
Identifiers: ClinVar variation 190026 (VCV000190026.1), dbSNP rs794726851, ClinGen allele CA303590.

ClinVar aggregate classification (germline): Pathogenic (1 of 4 stars; one submission).

Conditions:
Severe myoclonic epilepsy in infancy (DRVT). Also called: Epileptic encephalopathy, early infantile, 6 (Dravet syndrome); SEVERE MYOCLONIC EPILEPSY OF INFANCY; DEVELOPMENTAL AND EPILEPTIC ENCEPHALOPATHY 6A; Severe Myoclonic Epilepsy in Infancy (SMEI); Dravet syndrome. Identifiers: Orphanet 33069, MedGen C0751122, MONDO:0100135, OMIM 607208.

Submission:

Center for Bioinformatics, Peking University
Classification: Pathogenic for Dravet syndrome. Last evaluated: 2014-12-20. Review status: criteria provided, single submitter. Criteria: Xu et al. (Hum Mutat. 2015). Collection method: research. Allele origin: de novo. Affected: yes. Observed: 1 variant allele. Study: University Clinical Cooperation “985 Project” PKU-2014-1-1.
Comment: Dravet syndrome (DS) probands were recruited from the outpatient and inpatient child neurology units of Peking University First Hospital from 2005 till present. The study was approved by the Ethics Committee of Peking University First Hospital and the Institutional Review Board at Peking University. Participants or their parents provided written informed consent before enrollment. We collected a total of 267 mutations from 255 families with probands diagnosed with DS in China. All probands fulfilled the clinical diagnostic criteria.